The following is an entry in ClinVar:

NM_017849.4(TMEM127):c.218G>A (p.Gly73Asp)

Gene: TMEM127 (transmembrane protein 127; minus strand). Cytogenetic location: 2q11.2.
Variant type: single nucleotide variant.
Coding change: c.218G>A on transcript NM_017849.4 (MANE Select); coding-DNA position 218, G replaced by A.
Protein change: p.Gly73Asp; replaces glycine 73 with aspartic acid.
Molecular consequence: missense variant.
Genome position (GRCh38, 1-based): chr2:96,265,164, C>T on the plus strand (G>A on the coding strand, the complement: TMEM127 is on the minus strand). VCF-style: chr2-96265164-C-T. GRCh37 (hg19) VCF-style: chr2-96930902-C-T.
Other names: c.218G>A, p.Gly73Asp (NM_001193304.3); short protein forms G73D.
Identifiers: ClinVar variation 1955627 (VCV001955627.6), dbSNP rs1304152721, ClinGen allele CA347655876.

ClinVar aggregate classification (germline): Uncertain significance. Review status: criteria provided, multiple submitters, no conflicts (2 of 4 stars). 2 submissions from 2 submitters: Uncertain significance (2). Last evaluated 2025-08-20.

Conditions:
Hereditary pheochromocytoma and paraganglioma. Also called: Hereditary paragangliomas and pheochromocytomas; Hereditary Paraganglioma-Pheochromocytoma Syndromes; Hereditary pheochromocytoma-paraganglioma. Identifiers: Orphanet 29072, MedGen C4274332, MONDO:0017366.
Hereditary cancer-predisposing syndrome. Also called: Tumor predisposition; Hereditary Cancer Syndrome; Hereditary neoplastic syndrome; Neoplastic Syndromes, Hereditary. Identifiers: Orphanet 140162, MedGen C0027672, MeSH D009386, MONDO:0015356.

Allele frequency attached by ClinVar (database versions not stated): gnomAD exomes below 0.00001.
gnomAD v4.1: 1 of 1,611,460 alleles (0.000062%); highest among the groups gnomAD compares: Non-Finnish European, 0.000085%; no homozygotes.

Submissions (2):

Labcorp Genetics (formerly Invitae), Labcorp
Classification: Uncertain significance for Hereditary pheochromocytoma and paraganglioma. Last evaluated: 2025-08-20. Review status: criteria provided, single submitter. Criteria: Invitae Variant Classification Sherloc (09022015). Collection method: clinical testing. Allele origin: germline.
Comment: This sequence change replaces glycine, which is neutral and non-polar, with aspartic acid, which is acidic and polar, at codon 73 of the TMEM127 protein (p.Gly73Asp). The frequency data for this variant in the population databases is considered unreliable, as metrics indicate poor data quality at this position in the gnomAD database. This variant has not been reported in the literature in individuals affected with TMEM127-related conditions. ClinVar contains an entry for this variant (Variation ID: 1955627). An algorithm developed to predict the effect of missense changes on protein structure and function (PolyPhen-2) suggests that this variant is likely to be disruptive. In summary, the available evidence is currently insufficient to determine the role of this variant in disease. Therefore, it has been classified as a Variant of Uncertain Significance.

Ambry Genetics
Classification: Uncertain significance for Hereditary cancer-predisposing syndrome. Last evaluated: 2024-03-09. Review status: criteria provided, single submitter. Criteria: Ambry Variant Classification Scheme 2023. Collection method: clinical testing. Allele origin: germline.
Comment: The p.G73D variant (also known as c.218G>A), located in coding exon 1 of the TMEM127 gene, results from a G to A substitution at nucleotide position 218. The glycine at codon 73 is replaced by aspartic acid, an amino acid with similar properties. This amino acid position is conserved. In addition, this alteration is predicted to be deleterious by in silico analysis. Based on the available evidence, the clinical significance of this alteration remains unclear.